The following is an entry in ClinVar:

ClinVar aggregate classification (germline): Likely pathogenic (1 of 4 stars; one submission).

Conditions:
CACNA1A-related disorder. Also called: CACNA1A-related condition.

Submission:

PreventionGenetics, part of Exact Sciences
Classification: Likely pathogenic for CACNA1A-related condition. Last evaluated: 2026-08-04. Review status: criteria provided, single submitter. Criteria: ACMG Guidelines, 2015. Collection method: clinical testing. Allele origin: germline.
Comment: The CACNA1A c.6175C>T variant is predicted to result in premature protein termination (p.Gln2059*). To our knowledge, this variant has not been reported in the literature or in a large population database (gnomAD), indicating this variant is rare. Nonsense variants in CACNA1A are expected to be pathogenic. This variant is interpreted as likely pathogenic.

NM_001127222.2(CACNA1A):c.6175C>T (p.Gln2059Ter)

Gene: CACNA1A (calcium voltage-gated channel subunit alpha1 A; minus strand). Cytogenetic location: 19p13.13.
Variant type: single nucleotide variant.
Coding change: c.6175C>T on transcript NM_001127222.2 (MANE Select); coding-DNA position 6175, C replaced by T.
Protein change: p.Gln2059Ter; replaces glutamine 2059 with a stop codon.
Molecular consequence: nonsense.
Genome position (GRCh38, 1-based): chr19:13,212,398, G>A on the plus strand (C>T on the coding strand, the complement: CACNA1A is on the minus strand). VCF-style: chr19-13212398-G-A. GRCh37 (hg19) VCF-style: chr19-13323212-G-A.
Other names: c.6193C>T, p.Gln2065Ter (NM_000068.4, NM_023035.3); c.6178C>T, p.Gln2060Ter (NM_001127221.2); c.6184C>T, p.Gln2062Ter (NM_001174080.2); short protein forms Q2060*, Q2065*, Q2059*, Q2062*.
Identifiers: ClinVar variation 4995599 (VCV004995599.1).
Genomic context (GRCh38, chr19:13,212,398, plus strand): 5'-CCACCCGGGCCCTGGGAGCCATTGGGGAGTTGGGGGACAGAGGCACCTGAGAGTTAGGCT[G>A]GCTGTTGGGCATGTCGGTAGGGGGGCCTTGTTCCGGACTCCATGTGCCCGTCTTCTGGAA-3'